The following is an entry in ClinVar:

NM_001035.3(RYR2):c.2716C>G (p.Pro906Ala)

Gene: RYR2 (ryanodine receptor 2; plus strand). Cytogenetic location: 1q43.
Variant type: single nucleotide variant.
Coding change: c.2716C>G on transcript NM_001035.3 (MANE Select); coding-DNA position 2716, C replaced by G.
Protein change: p.Pro906Ala; replaces proline 906 with alanine.
Molecular consequence: missense variant.
Genome position (GRCh38, 1-based): chr1:237,506,812, C>G. VCF-style: chr1-237506812-C-G. GRCh37 (hg19) VCF-style: chr1-237670112-C-G.
Other names: short protein forms P906A.
Identifiers: ClinVar variation 229215 (VCV000229215.24), dbSNP rs754520058, ClinGen allele CA086111.

ClinVar aggregate classification (germline): Uncertain significance. Review status: criteria provided, multiple submitters, no conflicts (2 of 4 stars). 6 submissions from 6 submitters: Uncertain significance (6). Last evaluated 2024-06-17.

Conditions:
Cardiovascular phenotype. Identifiers: MedGen CN230736.
Catecholaminergic polymorphic ventricular tachycardia (CVPT). Also called: Catecholamine-induced polymorphic ventricular tachycardia. Identifiers: Orphanet 3286, MedGen C5574922, MONDO:0017990.
Cardiomyopathy (CMYO). Also called: Cardiomyopathies. Identifiers: Orphanet 167848, MedGen C0878544, MONDO:0004994, HP:0001638. Inheritance: Various modes of inheritance.
Catecholaminergic polymorphic ventricular tachycardia 1. Also called: VENTRICULAR TACHYCARDIA, STRESS-INDUCED POLYMORPHIC 1; RYR2-Related Catecholaminergic Polymorphic Ventricular Tachycardia; VENTRICULAR TACHYCARDIA, CATECHOLAMINERGIC POLYMORPHIC, 1, WITH OR WITHOUT ATRIAL DYSFUNCTION AND/OR DILATED CARDIOMYOPATHY. Identifiers: Orphanet 3286, MedGen C1631597, MONDO:0011484, OMIM 604772.

Allele frequency attached by ClinVar (database versions not stated): gnomAD exomes below 0.00001 and 0.00001; TOPMed 0.00001; ExAC 0.00002.
gnomAD v4.1: 16 of 1,610,118 alleles (0.00099%); highest among the groups gnomAD compares: Middle Eastern, 0.016%; no homozygotes.

Submissions (6):

All of Us Research Program, National Institutes of Health
Classification: Uncertain significance for Catecholaminergic polymorphic ventricular tachycardia. Last evaluated: 2024-06-17. Review status: criteria provided, single submitter. Criteria: ACMG Guidelines, 2015. Collection method: clinical testing. Allele origin: germline. Inheritance: Autosomal dominant inheritance. Observed: 5 variant alleles, 5 heterozygotes.
Comment: This missense variant replaces proline with alanine at codon 906 of the RYR2 protein. Computational prediction suggests that this variant may not impact protein structure and function (internally defined REVEL score threshold <= 0.5, PMID: 27666373). To our knowledge, functional studies have not been reported for this variant. This variant has been reported in an individual affected with hypertrophic cardiomyopathy (Lopes 2015, dissertation, University College London). This variant has been identified in 1/248534 chromosomes in the general population by the Genome Aggregation Database (gnomAD). The available evidence is insufficient to determine the role of this variant in disease conclusively. Therefore, this variant is classified as a Variant of Uncertain Significance.

This study involves interpretation of variants in research participants for the purpose of population health screening. Participant phenotype was not available at the time of variant classification. Additional details can be found in publication PMID: 35346344, PMCID: PMC8962531

Color Diagnostics, LLC DBA Color Health
Classification: Uncertain significance for Cardiomyopathy. Last evaluated: 2024-06-05. Review status: criteria provided, single submitter. Criteria: ACMG Guidelines, 2015. Collection method: clinical testing. Allele origin: germline.
Comment: This missense variant replaces proline with alanine at codon 906 of the RYR2 protein. Computational prediction suggests that this variant may not impact protein structure and function (internally defined REVEL score threshold <= 0.5, PMID: 27666373). To our knowledge, functional studies have not been reported for this variant. This variant has been reported in an individual affected with hypertrophic cardiomyopathy (Lopes 2015, dissertation, University College London). This variant has been identified in 1/248534 chromosomes in the general population by the Genome Aggregation Database (gnomAD). The available evidence is insufficient to determine the role of this variant in disease conclusively. Therefore, this variant is classified as a Variant of Uncertain Significance.

Labcorp Genetics (formerly Invitae), Labcorp
Classification: Uncertain significance for Catecholaminergic polymorphic ventricular tachycardia 1. Last evaluated: 2023-05-19. Review status: criteria provided, single submitter. Criteria: Invitae Variant Classification Sherloc (09022015). Collection method: clinical testing. Allele origin: germline.
Comment: In summary, the available evidence is currently insufficient to determine the role of this variant in disease. Therefore, it has been classified as a Variant of Uncertain Significance. An algorithm developed to predict the effect of missense changes on protein structure and function (PolyPhen-2) suggests that this variant¬† is likely to be tolerated. ClinVar contains an entry for this variant (Variation ID: 229215). This variant has not been reported in the literature in individuals affected with RYR2-related conditions. This variant is present in population databases (rs754520058, gnomAD 0.0009%). This sequence change replaces proline, which is neutral and non-polar, with alanine, which is neutral and non-polar, at codon 906 of the RYR2 protein (p.Pro906Ala).

Ambry Genetics
Classification: Uncertain significance for Cardiovascular phenotype. Last evaluated: 2020-01-24. Review status: criteria provided, single submitter. Criteria: Ambry Variant Classification Scheme 2023. Collection method: clinical testing. Allele origin: germline.
Comment: The p.P906A variant (also known as c.2716C>G), located in coding exon 23 of the RYR2 gene, results from a C to G substitution at nucleotide position 2716. The proline at codon 906 is replaced by alanine, an amino acid with highly similar properties. This amino acid position is not well conserved in available vertebrate species, and alanine is the reference amino acid in other vertebrate species. In addition, this alteration is predicted to be tolerated by in silico analysis. Since supporting evidence is limited at this time, the clinical significance of this alteration remains unclear.

GeneDx
Classification: Uncertain significance. Last evaluated: 2017-09-26. Review status: criteria provided, single submitter. Criteria: GeneDx Variant Classification (06012015). Collection method: clinical testing. Allele origin: germline. Affected: yes.
Comment: A variant of uncertain significance has been identified in the RYR2 gene. The P906A variant has been reported in one patient with hypertrophic cardiomyopathy (HCM) (Lopes et al., 2015); however, additional clinical details and segregation information were not provided. The P906A variant is not observed at a significant frequency in large population cohorts (Lek et al., 2016). The P906A variant is a semi-conservative amino acid substitution, which may impact secondary protein structure as these residues differ in some properties. In silico analysis predicts this variant is probably damaging to the protein structure/function. However, this substitution occurs at a position that is not conserved across species and where alanine (A) is present as the wild type in at least one species. Finally, the P906A variant is not located in one of the three hot-spot regions of the RYR2 gene, where the majority of pathogenic missense variants occur (Medeiros-Domingo et al., 2009).

Laboratory for Molecular Medicine, Mass General Brigham Personalized Medicine
Classification: Uncertain significance. Last evaluated: 2015-04-29. Review status: criteria provided, single submitter. Criteria: LMM Criteria. Collection method: clinical testing. Allele origin: germline. Observed: 1 variant allele.
Comment: The p.Pro906Ala in RYR2 has not been previously reported in individuals with car diomyopathy, but has been identified in 1/64300 European chromosomes and in 1/95 00 African chromosomes by the Exome Aggregation Consortium (ExAC). Proline at position 906 is poorly conserved in evolution with 7 fish species carrying the variant amino acid (alanine, Ala), suggesting that this change may be tolerated. On the other hand, this variant is located in the last three bases of the exon, which are part of the 5? splice region. Computatio nal tools raise the possibility of an impact to splicing, though this informatio n is not predictive enough to determine pathogenicity. In summary, the clinical significance of the p.Pro906Ala variant is uncertain.